The following is an entry in ClinVar:

NM_001172509.2(SATB2):c.1940C>A (p.Thr647Asn)

Genes: SATB2 (SATB homeobox 2; minus strand), LOC126806462 (MED14-independent group 3 enhancer GRCh37_chr2:200136608-200137807; plus strand). Cytogenetic location: 2q33.1.
Variant type: single nucleotide variant.
Coding change: c.1940C>A on transcript NM_001172509.2 (MANE Select); coding-DNA position 1940, C replaced by A.
Protein change: p.Thr647Asn; replaces threonine 647 with asparagine.
Molecular consequence: missense variant.
Genome position (GRCh38, 1-based): chr2:199,272,473, G>T on the plus strand (C>A on the coding strand, the complement: SATB2 is on the minus strand). VCF-style: chr2-199272473-G-T. GRCh37 (hg19) VCF-style: chr2-200137196-G-T.
Other names: c.1940C>A, p.Thr647Asn (NM_001172517.1, NM_015265.4); short protein forms T647N.
Identifiers: ClinVar variation 2858653 (VCV002858653.3), dbSNP rs2468783342, ClinGen allele CA350385662.

ClinVar aggregate classification (germline): Uncertain significance (1 of 4 stars; one submission).

Conditions:
Chromosome 2q32-q33 deletion syndrome (GLASS). Also called: 2q33.1 deletion syndrome; Glass syndrome. Identifiers: Orphanet 251019, MedGen C2676739, MONDO:0012864, OMIM 612313.

Submission:

Labcorp Genetics (formerly Invitae), Labcorp
Classification: Uncertain significance for Chromosome 2q32-q33 deletion syndrome. Last evaluated: 2023-04-23. Review status: criteria provided, single submitter. Criteria: Invitae Variant Classification Sherloc (09022015). Collection method: clinical testing. Allele origin: germline.
Comment: This sequence change replaces threonine, which is neutral and polar, with asparagine, which is neutral and polar, at codon 647 of the SATB2 protein (p.Thr647Asn). This variant is not present in population databases (gnomAD no frequency). This variant has not been reported in the literature in individuals affected with SATB2-related conditions. Advanced modeling of protein sequence and biophysical properties (such as structural, functional, and spatial information, amino acid conservation, physicochemical variation, residue mobility, and thermodynamic stability) has been performed at Invitae for this missense variant, however the output from this modeling did not meet the statistical confidence thresholds required to predict the impact of this variant on SATB2 protein function. In summary, the available evidence is currently insufficient to determine the role of this variant in disease. Therefore, it has been classified as a Variant of Uncertain Significance.